The following is an entry in ClinVar:

ClinVar aggregate classification (germline): Likely pathogenic. Review status: criteria provided, single submitter (1 of 4 stars). 2 submissions from 2 submitters: Likely pathogenic (1). 1 of the submissions does not count toward it. Last evaluated 2025-03-11.

Conditions:
Epilepsy, familial focal, with variable foci 1 (FFEVF1). Also called: DEPDC5-Related Epilepsy. Identifiers: MedGen C4551983, MONDO:0024556, OMIM 604364.
Familial focal epilepsy with variable foci (FPEVF). Identifiers: Orphanet 98820, MedGen C1858477, MONDO:0020310.

Submissions (2):

Labcorp Genetics (formerly Invitae), Labcorp
Classification: Likely pathogenic for Familial focal epilepsy with variable foci. Last evaluated: 2025-03-11. Review status: criteria provided, single submitter. Criteria: Invitae Variant Classification Sherloc (09022015). Collection method: clinical testing. Allele origin: germline.
Comment: This sequence change affects an acceptor splice site in intron 2 of the DEPDC5 gene. It is expected to disrupt RNA splicing. Variants that disrupt the donor or acceptor splice site typically lead to a loss of protein function (PMID: 16199547), and loss-of-function variants in DEPDC5 are known to be pathogenic (PMID: 23542697, 23542701). This variant is not present in population databases (gnomAD no frequency). Disruption of this splice site has been observed in individual(s) with epilepsy (PMID: 24591017). ClinVar contains an entry for this variant (Variation ID: 264712). Algorithms developed to predict the effect of sequence changes on RNA splicing suggest that this variant may disrupt the consensus splice site. In summary, the currently available evidence indicates that the variant is pathogenic, but additional data are needed to prove that conclusively. Therefore, this variant has been classified as Likely Pathogenic.

GeneReviews
No classification provided. Condition: Epilepsy, familial focal, with variable foci 1. Review status: no classification provided. Collection method: literature only. Allele origin: germline. Affected: yes. Not counted in ClinVar's aggregate classification.

Literature cited by the submitters: PubMed 16199547 (cited by Labcorp Genetics (formerly Invitae), Labcorp); PubMed 23542697 (cited by Labcorp Genetics (formerly Invitae), Labcorp); PubMed 23542701 (cited by Labcorp Genetics (formerly Invitae), Labcorp); PubMed 24591017 (cited by Labcorp Genetics (formerly Invitae), Labcorp and GeneReviews); NCBI Bookshelf NBK385626 (cited by GeneReviews).

NM_001242896.3(DEPDC5):c.59-1G>C

Gene: DEPDC5 (DEP domain containing 5, GATOR1 subcomplex subunit; plus strand). Cytogenetic location: 22q12.2.
Variant type: single nucleotide variant.
Coding change: c.59-1G>C on transcript NM_001242896.3 (MANE Select); the canonical splice acceptor site of the intron before coding-DNA position 59, G replaced by C.
Molecular consequence: splice acceptor variant.
Genome position (GRCh38, 1-based): chr22:31,758,545, G>C. VCF-style: chr22-31758545-G-C. GRCh37 (hg19) VCF-style: chr22-32154531-G-C.
Other names: c.59-1G>C (NM_001364318.2, NM_001136029.4, NM_014662.6 and 9 more transcripts).
Identifiers: ClinVar variation 264712 (VCV000264712.3), dbSNP rs886039243, ClinGen allele CA10588020.